The following is an entry in ClinVar:

NM_002381.5(MATN3):c.25C>T (p.Arg9Cys)

Gene: MATN3 (matrilin 3; minus strand). Cytogenetic location: 2p24.1.
Variant type: single nucleotide variant.
Coding change: c.25C>T on transcript NM_002381.5 (MANE Select); coding-DNA position 25, C replaced by T.
Protein change: p.Arg9Cys; replaces arginine 9 with cysteine.
Molecular consequence: missense variant.
Genome position (GRCh38, 1-based): chr2:20,012,607, G>A on the plus strand (C>T on the coding strand, the complement: MATN3 is on the minus strand). VCF-style: chr2-20012607-G-A. GRCh37 (hg19) VCF-style: chr2-20212368-G-A.
Other names: short protein forms R9C.
Identifiers: ClinVar variation 1390663 (VCV001390663.6), dbSNP rs2103487252, ClinGen allele CA345951932.

ClinVar aggregate classification (germline): Uncertain significance (1 of 4 stars; one submission).

Submission:

Labcorp Genetics (formerly Invitae), Labcorp
Classification: Uncertain significance. Last evaluated: 2023-08-04. Review status: criteria provided, single submitter. Criteria: Invitae Variant Classification Sherloc (09022015). Collection method: clinical testing. Allele origin: germline.
Comment: This sequence change replaces arginine, which is basic and polar, with cysteine, which is neutral and slightly polar, at codon 9 of the MATN3 protein (p.Arg9Cys). This variant is not present in population databases (gnomAD no frequency). This variant has not been reported in the literature in individuals affected with MATN3-related conditions. ClinVar contains an entry for this variant (Variation ID: 1390663). Experimental studies and prediction algorithms are not available or were not evaluated, and the functional significance of this variant is currently unknown. In summary, the available evidence is currently insufficient to determine the role of this variant in disease. Therefore, it has been classified as a Variant of Uncertain Significance.